The following is an entry in ClinVar:

ClinVar aggregate classification (germline): Uncertain significance. Review status: reviewed by expert panel (3 of 4 stars). 2 submissions from 2 submitters: Uncertain significance (1). 1 of the submissions does not count toward it. Last evaluated 2021-10-13.

Conditions:
Primary dilated cardiomyopathy (DCM). Also called: Dilated Cardiomyopathy. Identifiers: Orphanet 217604, MedGen C0007193, MeSH D002311, MONDO:0005021, HP:0001644. Inheritance: Various modes of inheritance.

Submissions (2):

ClinGen Cardiomyopathy Variant Curation Expert Panel
Classification: Uncertain significance for Primary dilated cardiomyopathy. Last evaluated: 2021-10-13. Review status: reviewed by expert panel. Criteria: ClinGen CMP ACMG Specifications v1. Collection method: curation. Allele origin: germline. Inheritance: Autosomal dominant inheritance.
Comment: The c.5726G>C (p.Arg1909Pro) variant in MYH7 has been reported as a de novo occurrence in 1 individual with dilated cardiomyopathy and myopathy features (PM6; Partners LMM ClinVar SCV000059632.5). Additionally, this variant reportedly segregated with DCM and in 2 affected relatives (Partners LMM ClinVar SCV000059632.5); however this data is currently insufficient to establish co-segregation and apply PP1. This variant was absent from large population studies (PM2;, v2.1.1). Computational prediction tools and conservation analysis suggest that this variant may impact the protein (PP3). This variant was previously classified as likely pathogenic for DCM by this expert panel (EP) based on clinical judgement; however, upon re-evaluation, the EP has deemed that uncertain significance was more appropriate based on the available evidence. In summary, this variant is classified as uncertain significance for dilated cardiomyopathy in an autosomal dominant manner. MYH7-specific ACMG/AMP criteria applied (Kelly 2018 PMID:29300372): PM6, PM2, PP3.

Laboratory for Molecular Medicine, Mass General Brigham Personalized Medicine
Classification: Likely pathogenic for Primary dilated cardiomyopathy. Last evaluated: 2014-01-06. Review status: criteria provided, single submitter. Criteria: LMM Criteria. Collection method: clinical testing. Allele origin: germline. Observed: 3 variant alleles. Not counted in ClinVar's aggregate classification.
Comment: proposed classification - variant undergoing re-assessment, contact laboratory

Literature cited by the submitters: PubMed 29300372 (cited by ClinGen Cardiomyopathy Variant Curation Expert Panel).

NM_000257.4(MYH7):c.5726G>C (p.Arg1909Pro)

Gene: MYH7 (myosin heavy chain 7; minus strand). Cytogenetic location: 14q11.2.
Variant type: single nucleotide variant.
Coding change: c.5726G>C on transcript NM_000257.4 (MANE Select); coding-DNA position 5726, G replaced by C.
Protein change: p.Arg1909Pro; replaces arginine 1909 with proline.
Molecular consequence: missense variant.
Genome position (GRCh38, 1-based): chr14:23,413,823, C>G on the plus strand (G>C on the coding strand, the complement: MYH7 is on the minus strand). VCF-style: chr14-23413823-C-G. GRCh37 (hg19) VCF-style: chr14-23883032-C-G.
Other names: NM_000257.3(MYH7):c.5726G>C; short protein forms R1909P.
Identifiers: ClinVar variation 43085 (VCV000043085.6), dbSNP rs397516253, ClinGen allele CA016422.
Genomic context (GRCh38, chr14:23,413,823, plus strand): 5'-GTGCCAATGTCACGGCTCTTGGCCCGCAGCTTGTTGACCTGGGACTCGGCGATGTCCGCC[C>G]GCTCCTCTGCCTCATCCAGCTCGTGCTGCACCTTGCGGAACTTGGACAGGTTGGTGTTGG-3'
Protein context (NP_000248.2, residues 1899-1919): VQHELDEAEE[Arg1909Pro]ADIAESQVNK